The following is an entry in ClinVar:

NM_001267550.2(TTN):c.3490G>T (p.Glu1164Ter)

Gene: TTN (titin; minus strand). Cytogenetic location: 2q31.2.
Variant type: single nucleotide variant.
Coding change: c.3490G>T on transcript NM_001267550.2 (MANE Select); coding-DNA position 3490, G replaced by T.
Protein change: p.Glu1164Ter; replaces glutamic acid 1164 with a stop codon.
Molecular consequence: nonsense.
Genome position (GRCh38, 1-based): chr2:178,781,154, C>A on the plus strand (G>T on the coding strand, the complement: TTN is on the minus strand). VCF-style: chr2-178781154-C-A. GRCh37 (hg19) VCF-style: chr2-179645881-C-A.
Other names: c.3490G>T, p.Glu1164Ter (NM_001256850.1, NM_133378.4, NM_133379.5); c.3352G>T, p.Glu1118Ter (NM_003319.4, NM_133432.3, NM_133437.4); short protein forms E1164*, E1118*.
Identifiers: ClinVar variation 224695 (VCV000224695.3), dbSNP rs878854391, ClinGen allele CA10575973.

ClinVar aggregate classification (germline): Conflicting classifications of pathogenicity. Review status: criteria provided, conflicting classifications (1 of 4 stars). 2 submissions from 2 submitters: Likely pathogenic (1); Uncertain significance (1). Last evaluated 2025-10-21.

Conditions:
Dilated cardiomyopathy 1G (CMD1G). Identifiers: Orphanet 154, MedGen C1858763, MONDO:0011400, OMIM 604145.
Autosomal recessive limb-girdle muscular dystrophy type 2J (LGMDR10). Also called: Limb-girdle muscular dystrophy, type 2J; MUSCULAR DYSTROPHY, LIMB-GIRDLE, AUTOSOMAL RECESSIVE 10. Identifiers: Orphanet 140922, MedGen C1837342, MONDO:0012127, OMIM 608807.

Submissions (2):

Labcorp Genetics (formerly Invitae), Labcorp
Classification: Likely pathogenic for Dilated cardiomyopathy 1G; Autosomal recessive limb-girdle muscular dystrophy type 2J. Last evaluated: 2025-10-21. Review status: criteria provided, single submitter. Criteria: Invitae Variant Classification Sherloc (09022015). Collection method: clinical testing. Allele origin: germline.
Comment: This sequence change creates a premature translational stop signal (p.Glu1164*) in the TTN gene. While this is not anticipated to result in nonsense mediated decay, it is expected to create a truncated TTN protein. This variant is not present in population databases (gnomAD no frequency). This premature translational stop signal has been observed in individual(s) with congenital muscular dystrophy (PMID: 27854218). ClinVar contains an entry for this variant (Variation ID: 224695). This variant is located in the Z band of TTN (PMID: 25589632). Truncating variants in this region have been reported in individuals affected with autosomal recessive centronuclear myopathy (PMID: 33449170, internal data). Truncating variants in this region have also been identified in individuals affected with autosomal dominant dilated cardiomyopathy and/or cardio-related conditions (PMID: 27869827, 32964742, internal data). In summary, the currently available evidence indicates that the variant is pathogenic, but additional data are needed to prove that conclusively. Therefore, this variant has been classified as Likely Pathogenic.

Center for Genetic Medicine Research, Children's National Medical Center
Classification: Uncertain significance. Last evaluated: 2015-12-01. Review status: criteria provided, single submitter. Criteria: Punetha et al. (J Neuromuscul Dis. 2016). Collection method: research. Allele origin: unknown.

Literature cited by the submitters: PubMed 27854218 (cited by Labcorp Genetics (formerly Invitae), Labcorp); PubMed 25589632 (cited by Labcorp Genetics (formerly Invitae), Labcorp); PubMed 33449170 (cited by Labcorp Genetics (formerly Invitae), Labcorp); PubMed 27869827 (cited by Labcorp Genetics (formerly Invitae), Labcorp); PubMed 32964742 (cited by Labcorp Genetics (formerly Invitae), Labcorp).